The following is an entry in ClinVar:

NM_032892.5(FRMD5):c.1321G>A (p.Glu441Lys)

Gene: FRMD5 (FERM domain containing 5; minus strand). Cytogenetic location: 15q15.3.
Variant type: single nucleotide variant.
Coding change: c.1321G>A on transcript NM_032892.5 (MANE Select); coding-DNA position 1321, G replaced by A.
Protein change: p.Glu441Lys; replaces glutamic acid 441 with lysine.
Molecular consequence: missense variant. On other transcripts: non-coding transcript variant (1).
Genome position (GRCh38, 1-based): chr15:43,874,277, C>T on the plus strand (G>A on the coding strand, the complement: FRMD5 is on the minus strand). VCF-style: chr15-43874277-C-T. GRCh37 (hg19) VCF-style: chr15-44166475-C-T.
Other names: c.1039G>A, p.Glu347Lys (NM_001286490.2); c.619G>A, p.Glu207Lys (NM_001286491.2); c.1321G>A, p.Glu441Lys (NM_001322949.2, NM_001322950.2, NM_001411124.1); c.1216G>A, p.Glu406Lys (NM_001322951.2); short protein forms E406K, E441K, E207K, E347K.
Identifiers: ClinVar variation 5022043 (VCV005022043.1).

ClinVar aggregate classification (germline): Uncertain significance (1 of 4 stars; one submission).

Conditions:
Inborn genetic diseases. Identifiers: MedGen C0950123, MeSH D030342.

gnomAD v4.1: 2 of 1,614,230 alleles (0.00012%); highest among the groups gnomAD compares: South Asian, 0.0011%; no homozygotes.

Submission:

Ambry Genetics
Classification: Uncertain significance for Inborn genetic diseases. Last evaluated: 2026-07-08. Review status: criteria provided, single submitter. Criteria: Ambry Variant Classification Scheme 2023. Collection method: clinical testing. Allele origin: germline.
Comment: The c.1321G>A (p.E441K) alteration is located in exon 14 (coding exon 14) of the FRMD5 gene. This alteration results from a G to A substitution at nucleotide position 1321, causing the glutamic acid (E) at amino acid position 441 to be replaced by a lysine (K). Based on data from gnomAD, the A allele has an overall frequency of <0.001% (1/250972) total alleles studied. The highest observed frequency was 0.001% (1/113350) of European (non-Finnish) alleles. Based on insufficient or conflicting evidence, the clinical significance of this alteration remains unclear.